The following is an entry in ClinVar:

ClinVar aggregate classification (germline): Likely benign. Review status: criteria provided, multiple submitters, no conflicts (2 of 4 stars). 2 submissions from 2 submitters: Likely benign (2). Last evaluated 2026-04-01.

gnomAD v4.1: 8 of 1,613,516 alleles (0.0005%); highest among the groups gnomAD compares: Admixed American, 0.0067%; no homozygotes.

Submissions (2):

CeGaT Center for Human Genetics Tuebingen
Classification: Likely benign. Last evaluated: 2026-04-01. Review status: criteria provided, single submitter. Criteria: CeGaT Center For Human Genetics Tuebingen Variant Classification Criteria Version 2. Collection method: clinical testing. Allele origin: germline. Affected: yes. Observed: 1 variant allele.
Comment: SLC18A2: BP4, BP7

Labcorp Genetics (formerly Invitae), Labcorp
Classification: Likely benign. Last evaluated: 2026-01-28. Review status: criteria provided, single submitter. Criteria: Invitae Variant Classification Sherloc (09022015). Collection method: clinical testing. Allele origin: germline.

NM_003054.6(SLC18A2):c.453A>G (p.Leu151=)

Gene: SLC18A2 (solute carrier family 18 member A2; plus strand). Cytogenetic location: 10q25.3.
Variant type: single nucleotide variant.
Coding change: c.453A>G on transcript NM_003054.6 (MANE Select); coding-DNA position 453, A replaced by G.
Protein change: p.Leu151=; no amino-acid change (leucine 151 retained).
Molecular consequence: synonymous variant.
Genome position (GRCh38, 1-based): chr10:117,244,302, A>G. VCF-style: chr10-117244302-A-G. GRCh37 (hg19) VCF-style: chr10-119003813-A-G.
Identifiers: ClinVar variation 3611747 (VCV003611747.4).
Genomic context (GRCh38, chr10:117,244,302, plus strand): 5'-TGGTCTGTTGTTTGCCTCGAAAGCCACCGTCCAGCTCATCACCAACCCTTTCATAGGACT[A>G]CTGACCAACAGGTAGGGCAGACTACTTTAGTCAAAGAGTTTGATATTTGTATCAGTCCTA-3'
Protein context (NP_003045.2, residues 141-161): VQLITNPFIG[Leu151=]LTNRIGYPIP